The following is an entry in ClinVar:

ClinVar aggregate classification (germline): Uncertain significance (1 of 4 stars; one submission).

Conditions:
Progressive microcephaly-seizures-cortical blindness-developmental delay syndrome. Also called: Seizures, cortical blindness, and microcephaly syndrome. Identifiers: Orphanet 477814, MedGen C5567650, MONDO:0014714, OMIM 616632.
Autosomal dominant nonsyndromic hearing loss 1. Also called: KONIGSMARK SYNDROME; DEAFNESS, AUTOSOMAL DOMINANT 1, WITH OR WITHOUT THROMBOCYTOPENIA. Identifiers: Orphanet 90635, MedGen C1852282, MONDO:0007424, OMIM 124900.

gnomAD v4.1: 4 of 1,613,216 alleles (0.00025%); highest among the groups gnomAD compares: Non-Finnish European, 0.00034%; no homozygotes.

Submission:

Labcorp Genetics (formerly Invitae), Labcorp
Classification: Uncertain significance for Progressive microcephaly-seizures-cortical blindness-developmental delay syndrome; Autosomal dominant nonsyndromic hearing loss 1. Last evaluated: 2022-08-27. Review status: criteria provided, single submitter. Criteria: Invitae Variant Classification Sherloc (09022015). Collection method: clinical testing. Allele origin: germline.
Comment: This sequence change replaces alanine, which is neutral and non-polar, with threonine, which is neutral and polar, at codon 821 of the DIAPH1 protein (p.Ala821Thr). This variant is not present in population databases (gnomAD no frequency). This variant has not been reported in the literature in individuals affected with DIAPH1-related conditions. Algorithms developed to predict the effect of missense changes on protein structure and function are either unavailable or do not agree on the potential impact of this missense change (SIFT: "Deleterious"; PolyPhen-2: "Benign"; Align-GVGD: "Class C0"). In summary, the available evidence is currently insufficient to determine the role of this variant in disease. Therefore, it has been classified as a Variant of Uncertain Significance.

NM_005219.5(DIAPH1):c.2461G>A (p.Ala821Thr)

Gene: DIAPH1 (diaphanous related formin 1; minus strand). Cytogenetic location: 5q31.3.
Variant type: single nucleotide variant.
Coding change: c.2461G>A on transcript NM_005219.5 (MANE Select); coding-DNA position 2461, G replaced by A.
Protein change: p.Ala821Thr; replaces alanine 821 with threonine.
Molecular consequence: missense variant.
Genome position (GRCh38, 1-based): chr5:141,571,938, C>T on the plus strand (G>A on the coding strand, the complement: DIAPH1 is on the minus strand). VCF-style: chr5-141571938-C-T. GRCh37 (hg19) VCF-style: chr5-140951505-C-T.
Other names: c.2434G>A, p.Ala812Thr (NM_001079812.3); c.2461G>A, p.Ala821Thr (NM_001314007.2); short protein forms A812T, A821T.
Identifiers: ClinVar variation 1718184 (VCV001718184.6), dbSNP rs201900613, ClinGen allele CA128432306.